The following is an entry in ClinVar:

ClinVar aggregate classification (germline): Likely benign. Review status: criteria provided, multiple submitters, no conflicts (2 of 4 stars). 3 submissions from 3 submitters: Likely benign (2). 1 of the submissions does not count toward it. Last evaluated 2024-10-21.

Conditions:
SAG-related disorder. Also called: SAG-related disorders; SAG-related condition.

gnomAD v4.1: 97 of 1,610,944 alleles (0.006%); highest among the groups gnomAD compares: South Asian, 0.063%; 1 homozygote.

Submissions (3):

Labcorp Genetics (formerly Invitae), Labcorp
Classification: Likely benign. Last evaluated: 2024-10-21. Review status: criteria provided, single submitter. Criteria: Invitae Variant Classification Sherloc (09022015). Collection method: clinical testing. Allele origin: germline.

Blueprint Genetics
Classification: Likely benign. Last evaluated: 2024-05-13. Review status: criteria provided, single submitter. Criteria: ACMG Guidelines, 2015. Collection method: clinical testing. Allele origin: germline.

PreventionGenetics, part of Exact Sciences
Classification: Likely benign for SAG-related condition. Last evaluated: 2024-04-16. Review status: no assertion criteria provided. Collection method: clinical testing. Allele origin: germline. Not counted in ClinVar's aggregate classification.
Comment: This variant is classified as likely benign based on ACMG/AMP sequence variant interpretation guidelines (Richards et al. 2015 PMID: 25741868, with internal and published modifications).

NM_000541.5(SAG):c.804G>A (p.Ala268=)

Gene: SAG (S-antigen visual arrestin; plus strand). Cytogenetic location: 2q37.1.
Variant type: single nucleotide variant.
Coding change: c.804G>A on transcript NM_000541.5 (MANE Select); coding-DNA position 804, G replaced by A.
Protein change: p.Ala268=; no amino-acid change (alanine 268 retained).
Molecular consequence: synonymous variant.
Genome position (GRCh38, 1-based): chr2:233,331,710, G>A. VCF-style: chr2-233331710-G-A. GRCh37 (hg19) VCF-style: chr2-234240356-G-A.
Other names: c.804G>A (NM_000541.4).
Identifiers: ClinVar variation 1106296 (VCV001106296.11), dbSNP rs200634312, ClinGen allele CA2174533.